The following is an entry in ClinVar:

ClinVar aggregate classification (germline): Uncertain significance (1 of 4 stars; one submission).

Conditions:
Primary ciliary dyskinesia. Also called: Ciliary dyskinesia. Identifiers: Orphanet 244, MedGen C0008780, MONDO:0016575, HP:0012265.

gnomAD v4.1: 2 of 1,614,046 alleles (0.00012%); highest among the groups gnomAD compares: Middle Eastern, 0.017%; no homozygotes.

Submission:

Labcorp Genetics (formerly Invitae), Labcorp
Classification: Uncertain significance for Primary ciliary dyskinesia. Last evaluated: 2022-03-28. Review status: criteria provided, single submitter. Criteria: Invitae Variant Classification Sherloc (09022015). Collection method: clinical testing. Allele origin: germline.
Comment: This sequence change replaces alanine, which is neutral and non-polar, with glutamic acid, which is acidic and polar, at codon 3479 of the DNAH5 protein (p.Ala3479Glu). This variant is not present in population databases (gnomAD no frequency). This variant has not been reported in the literature in individuals affected with DNAH5-related conditions. Algorithms developed to predict the effect of missense changes on protein structure and function are either unavailable or do not agree on the potential impact of this missense change (SIFT: "Deleterious"; PolyPhen-2: "Possibly Damaging"; Align-GVGD: "Class C0"). In summary, the available evidence is currently insufficient to determine the role of this variant in disease. Therefore, it has been classified as a Variant of Uncertain Significance.

NM_001369.3(DNAH5):c.10436C>A (p.Ala3479Glu)

Gene: DNAH5 (dynein axonemal heavy chain 5; minus strand). Cytogenetic location: 5p15.2.
Variant type: single nucleotide variant.
Coding change: c.10436C>A on transcript NM_001369.3 (MANE Select); coding-DNA position 10436, C replaced by A.
Protein change: p.Ala3479Glu; replaces alanine 3479 with glutamic acid.
Molecular consequence: missense variant.
Genome position (GRCh38, 1-based): chr5:13,754,322, G>T on the plus strand (C>A on the coding strand, the complement: DNAH5 is on the minus strand). VCF-style: chr5-13754322-G-T. GRCh37 (hg19) VCF-style: chr5-13754431-G-T.
Other names: short protein forms A3479E.
Identifiers: ClinVar variation 2075847 (VCV002075847.1), dbSNP rs2546618849, ClinGen allele CA359194216.